The following is an entry in ClinVar:

NM_025114.4(CEP290):c.1405A>G (p.Lys469Glu)

Gene: CEP290 (centrosomal protein 290; minus strand). Cytogenetic location: 12q21.32.
Variant type: single nucleotide variant.
Coding change: c.1405A>G on transcript NM_025114.4 (MANE Select); coding-DNA position 1405, A replaced by G.
Protein change: p.Lys469Glu; replaces lysine 469 with glutamic acid.
Molecular consequence: missense variant.
Genome position (GRCh38, 1-based): chr12:88,120,231, T>C on the plus strand (A>G on the coding strand, the complement: CEP290 is on the minus strand). VCF-style: chr12-88120231-T-C. GRCh37 (hg19) VCF-style: chr12-88514008-T-C.
Other names: c.1405A>G (NM_025114.3); short protein forms K469E.
Identifiers: ClinVar variation 1948928 (VCV001948928.6), dbSNP rs1361189290, ClinGen allele CA385980130.

ClinVar aggregate classification (germline): Uncertain significance. Review status: criteria provided, multiple submitters, no conflicts (2 of 4 stars). 4 submissions from 4 submitters: Uncertain significance (4). Last evaluated 2026-04-17.

Conditions:
CEP290-related ciliopathy. Also called: CEP290 ciliopathy. Identifiers: MedGen CN305601, MONDO:0100451.
CEP290-related disorder. Also called: CEP290-related condition; CEP290-related disorders. Identifiers: MedGen CN239314.
Meckel-Gruber syndrome. Also called: DYSENCEPHALIA SPLANCHNOCYSTICA; GRUBER SYNDROME; Dysencephalia splachnocystica. Identifiers: Orphanet 564, MedGen C0265215, MONDO:0018921.
Nephronophthisis. Also called: Juvenile Nephronophthisis. Identifiers: Orphanet 655, MedGen C0687120, MONDO:0019005, HP:0000090.
Joubert syndrome. Also called: Familial aplasia of the vermis; JOUBERT-BOLTSHAUSER SYNDROME. Identifiers: Orphanet 475, MedGen C5979921, MONDO:0018772.

Allele frequency attached by ClinVar (database versions not stated): gnomAD exomes 0.00001.
gnomAD v4.1: 18 of 1,500,628 alleles (0.0012%); highest among the groups gnomAD compares: Non-Finnish European, 0.0014%; no homozygotes.

Submissions (4):

PreventionGenetics, part of Exact Sciences
Classification: Uncertain significance for CEP290-related condition. Last evaluated: 2026-04-17. Review status: criteria provided, single submitter. Criteria: ACMG Guidelines, 2015. Collection method: clinical testing. Allele origin: germline.
Comment: The CEP290 c.1405A>G variant is predicted to result in the amino acid substitution p.Lys469Glu. To our knowledge, this variant has not been reported in the literature in individuals with CEP290-related conditions. This variant is reported in 0.0015% of alleles in individuals of European (Non-Finnish) descent in gnomAD. At this time, the clinical significance of this variant is uncertain due to the absence of conclusive functional and genetic evidence.

Myriad Genetics, Inc.
Classification: Uncertain significance for CEP290-related ciliopathy. Last evaluated: 2026-04-15. Review status: criteria provided, single submitter. Criteria: Myriad Autosomal Dominant, Autosomal Recessive and X-Linked Classification Criteria (2023). Collection method: clinical testing. Allele origin: unknown.
Comment: NM_025114.3(CEP290):c.1405A>G(K469E) is a missense variant classified as a variant of uncertain significance in the context of CEP290-related disorders. K469E has not been observed in cases with relevant disease. Relevant functional assessments of this variant are not available in the literature. K469E has been observed in referenced population frequency databases. In summary, there is insufficient evidence to classify NM_025114.3(CEP290):c.1405A>G(K469E) as pathogenic or benign. Please note: this variant was assessed in the context of healthy population screening.

Labcorp Genetics (formerly Invitae), Labcorp
Classification: Uncertain significance for Joubert syndrome; Meckel-Gruber syndrome; Nephronophthisis. Last evaluated: 2022-07-16. Review status: criteria provided, single submitter. Criteria: Invitae Variant Classification Sherloc (09022015). Collection method: clinical testing. Allele origin: germline.
Comment: This variant has not been reported in the literature in individuals affected with CEP290-related conditions. This sequence change replaces lysine, which is basic and polar, with glutamic acid, which is acidic and polar, at codon 469 of the CEP290 protein (p.Lys469Glu). The frequency data for this variant in the population databases is considered unreliable, as metrics indicate poor data quality at this position in the gnomAD database. Algorithms developed to predict the effect of missense changes on protein structure and function are either unavailable or do not agree on the potential impact of this missense change (SIFT: "Tolerated"; PolyPhen-2: "Possibly Damaging"; Align-GVGD: "Class C0"). In summary, the available evidence is currently insufficient to determine the role of this variant in disease. Therefore, it has been classified as a Variant of Uncertain Significance.

Blueprint Genetics
Classification: Uncertain significance. Last evaluated: 2020-08-12. Review status: criteria provided, single submitter. Criteria: ACMG Guidelines, 2015. Collection method: clinical testing. Allele origin: germline.